The following is an entry in ClinVar:

NM_001039213.4(CEACAM16):c.35G>A (p.Ser12Asn)

Genes: CEACAM16 (CEA cell adhesion molecule 16, tectorial membrane component; plus strand), CEACAM16-AS1 (CEACAM16, CEACAM19 and PVR antisense RNA 1; minus strand). Cytogenetic location: 19q13.32.
Variant type: single nucleotide variant.
Coding change: c.35G>A on transcript NM_001039213.4 (MANE Select); coding-DNA position 35, G replaced by A.
Protein change: p.Ser12Asn; replaces serine 12 with asparagine.
Molecular consequence: missense variant.
Genome position (GRCh38, 1-based): chr19:44,701,491, G>A. VCF-style: chr19-44701491-G-A. GRCh37 (hg19) VCF-style: chr19-45204761-G-A.
Other names: short protein forms S12N.
Identifiers: ClinVar variation 666807 (VCV000666807.4), dbSNP rs1040792995, ClinGen allele CA308868552.
Genomic context (GRCh38, chr19:44,701,491, plus strand): 5'-CTCCAAGACTCGGTTTGGGGTGAAAGATGGCGCTGACTGGGTACAGCTGGCTGCTCCTCA[G>A]TGGTGAGCGAGAATGGCACCCCCCAGCACCTCAGCCCCCCGAGGACCCCAGGGAGGGGAG-3'
Protein context (NP_001034302.2, residues 2-22): ALTGYSWLLL[Ser12Asn]ATFLNVGAEI

ClinVar aggregate classification (germline): Uncertain significance (1 of 4 stars; one submission).

Allele frequency attached by ClinVar (database versions not stated): TOPMed 0.00001.

Submission:

Laboratory for Molecular Medicine, Mass General Brigham Personalized Medicine
Classification: Uncertain significance. Last evaluated: 2018-08-02. Review status: criteria provided, single submitter. Criteria: LMM Criteria. Collection method: clinical testing. Allele origin: germline. Observed: 1 variant allele.
Comment: The p.Ser12Asn variant in CEACAM16 has not been previously reported in individua ls with hearing loss and was absent from large population studies. Computational prediction tools and conservation analysis suggest that this variant may not im pact the protein, though this information is not predictive enough to rule out p athogenicity. In addition, this variant is located in the last three bases of th e exon, which is part of the 5? splice region. Computational tools do not predic t altered splicing; however, this information is not predictive enough to rule o ut pathogenicity. In summary, the clinical significance of the p.Ser12Asn varian t is uncertain. ACMG/AMP Criteria applied: PM2, BP4.